The following is an entry in ClinVar:

ClinVar aggregate classification (germline): Uncertain significance (1 of 4 stars; one submission).

Submission:

Labcorp Genetics (formerly Invitae), Labcorp
Classification: Uncertain significance. Last evaluated: 2024-11-30. Review status: criteria provided, single submitter. Criteria: Invitae Variant Classification Sherloc (09022015). Collection method: clinical testing. Allele origin: germline.
Comment: This variant, c.3063_3065del, results in the deletion of 1 amino acid(s) of the KLB protein (p.Arg1023del), but otherwise preserves the integrity of the reading frame. This variant is not present in population databases (gnomAD no frequency). This variant has not been reported in the literature in individuals affected with KLB-related conditions. Experimental studies and prediction algorithms are not available or were not evaluated, and the functional significance of this variant is currently unknown. In summary, the available evidence is currently insufficient to determine the role of this variant in disease. Therefore, it has been classified as a Variant of Uncertain Significance.

NM_175737.4(KLB):c.3063_3065del (p.Arg1023del)

Gene: KLB (klotho beta; plus strand). Cytogenetic location: 4p14.
Variant type: Deletion.
Coding change: c.3063_3065del on transcript NM_175737.4 (MANE Select); coding-DNA positions 3063 to 3065, 3 bases deleted (GAG; older notation c.3063_3065delGAG).
Protein change: p.Arg1023del; deletes arginine 1023.
Genome position (GRCh38, 1-based): chr4:39,448,614-39,448,616, GAG deleted. VCF-style (leftmost placement, unchanged base first): chr4-39448613-AGAG-A. GRCh37 (hg19) VCF-style: chr4-39450233-AGAG-A.
Other names: short protein forms R1023del.
Identifiers: ClinVar variation 3725864 (VCV003725864.2).